The following is an entry in ClinVar:

NM_003384.3(VRK1):c.220C>G (p.Pro74Ala)

Gene: VRK1 (VRK serine/threonine kinase 1; plus strand). Cytogenetic location: 14q32.2.
Variant type: single nucleotide variant.
Coding change: c.220C>G on transcript NM_003384.3 (MANE Select); coding-DNA position 220, C replaced by G.
Protein change: p.Pro74Ala; replaces proline 74 with alanine.
Molecular consequence: missense variant.
Genome position (GRCh38, 1-based): chr14:96,846,098, C>G. VCF-style: chr14-96846098-C-G. GRCh37 (hg19) VCF-style: chr14-97312435-C-G.
Other names: short protein forms P74A.
Identifiers: ClinVar variation 950122 (VCV000950122.8), dbSNP rs756589419, ClinGen allele CA7338896.

ClinVar aggregate classification (germline): Uncertain significance (1 of 4 stars; one submission).

Conditions:
Pontocerebellar hypoplasia type 1A (PCH1A). Also called: PONTOCEREBELLAR HYPOPLASIA WITH ANTERIOR HORN CELL DISEASE; PONTOCEREBELLAR HYPOPLASIA WITH INFANTILE SPINAL MUSCULAR ATROPHY. Identifiers: Orphanet 2254, Orphanet 88616, MedGen C1843504, MONDO:0011866, OMIM 607596.

Allele frequency attached by ClinVar (database versions not stated): ExAC 0.00002; gnomAD exomes 0.00002.
gnomAD v4.1: 3 of 1,612,978 alleles (0.00019%); highest among the groups gnomAD compares: Admixed American, 0.005%; no homozygotes.

Submission:

Labcorp Genetics (formerly Invitae), Labcorp
Classification: Uncertain significance for Pontocerebellar hypoplasia type 1A. Last evaluated: 2021-08-31. Review status: criteria provided, single submitter. Criteria: Invitae Variant Classification Sherloc (09022015). Collection method: clinical testing. Allele origin: germline.
Comment: This sequence change replaces proline with alanine at codon 74 of the VRK1 protein (p.Pro74Ala). The proline residue is highly conserved and there is a small physicochemical difference between proline and alanine. This variant is present in population databases (rs756589419, ExAC 0.03%). This variant has not been reported in the literature in individuals affected with VRK1-related conditions. Algorithms developed to predict the effect of missense changes on protein structure and function (SIFT, PolyPhen-2, Align-GVGD) all suggest that this variant is likely to be disruptive. In summary, the available evidence is currently insufficient to determine the role of this variant in disease. Therefore, it has been classified as a Variant of Uncertain Significance.